The following is an entry in ClinVar:

ClinVar aggregate classification (germline): Likely benign. Review status: criteria provided, multiple submitters, no conflicts (2 of 4 stars). 2 submissions from 2 submitters: Likely benign (2). Last evaluated 2026-03-23.

Conditions:
LSR-related condition.

Submissions (2):

PreventionGenetics, part of Exact Sciences
Classification: Likely benign for LSR-related condition. Last evaluated: 2026-03-23. Review status: criteria provided, single submitter. Criteria: ACMG Guidelines, 2015. Collection method: clinical testing. Allele origin: germline.
Comment: This variant is classified as likely benign based on ACMG/AMP sequence variant interpretation guidelines (Richards et al. 2015 PMID: 25741868, with internal and published modifications).

Labcorp Genetics (formerly Invitae), Labcorp
Classification: Likely benign. Last evaluated: 2025-09-28. Review status: criteria provided, single submitter. Criteria: Invitae Variant Classification Sherloc (09022015). Collection method: clinical testing. Allele origin: germline.

NM_205834.3(LSR):c.69delC

Gene: LSR (lipolysis stimulated lipoprotein receptor; plus strand). Cytogenetic location: 19q13.12.
Variant type: Deletion.
Coding change: c.69delC on transcript NM_205834.3; coding-DNA position 69, one base deleted (C).
Genome position (GRCh38, 1-based): chr19:35,248,947, C deleted; the last of 2 consecutive C bases (chr19:35,248,946-35,248,947); deleting either gives the same sequence. VCF-style (leftmost placement, unchanged base first): chr19-35248945-TC-T. GRCh37 (hg19) VCF-style: chr19-35739848-TC-T.
Identifiers: ClinVar variation 2861251 (VCV002861251.4), dbSNP rs368776746, ClinGen allele CA9374510.